The following is an entry in ClinVar:

ClinVar aggregate classification (germline): Uncertain significance (1 of 4 stars; one submission).

gnomAD v4.1: 2 of 1,613,030 alleles (0.00012%); highest among the groups gnomAD compares: Admixed American, 0.0017%; no homozygotes.

Submission:

GeneDx
Classification: Uncertain significance. Last evaluated: 2024-10-28. Review status: criteria provided, single submitter. Criteria: GeneDx Variant Classification Process June 2021. Collection method: clinical testing. Allele origin: germline. Affected: yes.
Comment: Not observed at significant frequency in large population cohorts (gnomAD); In silico analysis supports that this missense variant has a deleterious effect on protein structure/function; Has not been previously published as pathogenic or benign to our knowledge

NM_005121.3(MED13):c.866A>T (p.Asp289Val)

Gene: MED13 (mediator complex subunit 13; minus strand). Cytogenetic location: 17q23.2.
Variant type: single nucleotide variant.
Coding change: c.866A>T on transcript NM_005121.3 (MANE Select); coding-DNA position 866, A replaced by T.
Protein change: p.Asp289Val; replaces aspartic acid 289 with valine.
Molecular consequence: missense variant.
Genome position (GRCh38, 1-based): chr17:62,031,587, T>A on the plus strand (A>T on the coding strand, the complement: MED13 is on the minus strand). VCF-style: chr17-62031587-T-A. GRCh37 (hg19) VCF-style: chr17-60108948-T-A.
Other names: short protein forms D289V.
Identifiers: ClinVar variation 3893351 (VCV003893351.1).
Genomic context (GRCh38, chr17:62,031,587, plus strand): 5'-TGGACACCCAAGCAAGAAGATGAACAGTGAGTGGATCCCACAGGGCTAGGAGTAGGAATG[T>A]CTGACTGAGGGACTAGAACAAAGCATGCTGGGTAGATCATTCGGACACCAGCTGAAAGGA-3'
Protein context (NP_005112.2, residues 279-299): PACFVLVPQS[Asp289Val]IPTPSPVGST